The following is an entry in ClinVar:

ClinVar aggregate classification (germline): Benign/Likely benign. Review status: criteria provided, multiple submitters, no conflicts (2 of 4 stars). 9 submissions from 9 submitters: Benign (6); Likely benign (2). 1 of the submissions does not count toward it. Last evaluated 2026-02-03.

Conditions:
Noonan syndrome 9 (NS9). Identifiers: Orphanet 648, MedGen C4225282, MONDO:0014691, OMIM 616559.
Noonan syndrome and Noonan-related syndrome. Identifiers: Orphanet 98733, MedGen C5681679, MONDO:0020297.
Cardiovascular phenotype. Identifiers: MedGen CN230736.
SOS2-related disorder. Also called: SOS2-related condition.

Submissions (9):

Labcorp Genetics (formerly Invitae), Labcorp
Classification: Benign for Noonan syndrome 9. Last evaluated: 2026-02-03. Review status: criteria provided, single submitter. Criteria: Invitae Variant Classification Sherloc (09022015). Collection method: clinical testing. Allele origin: germline.

Blueprint Genetics
Classification: Likely benign. Last evaluated: 2024-10-08. Review status: criteria provided, single submitter. Criteria: ACMG Guidelines, 2015. Collection method: clinical testing. Allele origin: germline.

ARUP Laboratories, Molecular Genetics and Genomics, ARUP Laboratories
Classification: Benign for Noonan syndrome 9. Last evaluated: 2023-10-19. Review status: criteria provided, single submitter. Criteria: ARUP Molecular Germline Variant Investigation Process 2024. Collection method: clinical testing. Allele origin: germline.

Ambry Genetics
Classification: Benign for Cardiovascular phenotype. Last evaluated: 2022-11-21. Review status: criteria provided, single submitter. Criteria: Ambry Variant Classification Scheme 2023. Collection method: clinical testing. Allele origin: germline.

Genome Diagnostics Laboratory, The Hospital for Sick Children
Classification: Benign for Noonan syndrome and Noonan-related syndrome. Last evaluated: 2021-04-09. Review status: criteria provided, single submitter. Criteria: ACMG Guidelines, 2015. Collection method: clinical testing. Allele origin: germline.

Women's Health and Genetics/Laboratory Corporation of America, LabCorp
Classification: Benign. Last evaluated: 2019-10-21. Review status: criteria provided, single submitter. Criteria: LabCorp Variant Classification Summary - May 2015. Collection method: clinical testing. Allele origin: germline.
Comment: Variant summary: SOS2 c.3490-4delT alters a conserved nucleotide located close to a canonical splice site and therefore could affect mRNA splicing, leading to a significantly altered protein sequence. 5/5 computational tools predict no significant impact on normal splicing. However, these predictions have yet to be confirmed by functional studies. The variant allele was found at a frequency of 0.0034 in 103896 control chromosomes in the gnomAD database, including 2 homozygotes. The observed variant frequency is approximately 1367 fold of the estimated maximal expected allele frequency for a pathogenic variant in SOS2 causing Noonan Syndrome and Related Conditions phenotype (2.5e-06), strongly suggesting that the variant is benign. To our knowledge, no occurrence of c.3490-4delT in individuals affected with Noonan Syndrome and Related Conditions and no experimental evidence demonstrating its impact on protein function have been reported. No clinical diagnostic laboratories have submitted clinical-significance assessments for this variant to ClinVar after 2014. Based on the evidence outlined above, the variant was classified as benign.

GeneDx
Classification: Likely benign. Last evaluated: 2019-09-20. Review status: criteria provided, single submitter. Criteria: GeneDx Variant Classification Process June 2021. Collection method: clinical testing. Allele origin: germline. Affected: yes.

Genome-Nilou Lab
Classification: Benign for Noonan syndrome 9. Review status: criteria provided, single submitter. Criteria: ACMG Guidelines, 2015. Collection method: clinical testing. Allele origin: germline.

PreventionGenetics, part of Exact Sciences
Classification: Likely benign for SOS2-related condition. Last evaluated: 2019-04-25. Review status: no assertion criteria provided. Collection method: clinical testing. Allele origin: germline. Not counted in ClinVar's aggregate classification.
Comment: This variant is classified as likely benign based on ACMG/AMP sequence variant interpretation guidelines (Richards et al. 2015 PMID: 25741868, with internal and published modifications).

NM_006939.4(SOS2):c.3490-4del

Gene: SOS2 (SOS Ras/Rho guanine nucleotide exchange factor 2; minus strand). Cytogenetic location: 14q21.3.
Variant type: Deletion.
Coding change: c.3490-4del on transcript NM_006939.4 (MANE Select); 4 bases into the intron before coding-DNA position 3490, one base deleted (T; older notation c.3490-4delT).
Molecular consequence: intron variant.
Genome position (GRCh38, 1-based): chr14:50,118,857, A deleted on the plus strand (T on the coding strand, the reverse complement: SOS2 is on the minus strand); the first of 10 consecutive A bases (chr14:50,118,857-50,118,866); deleting any one gives the same sequence. VCF-style (leftmost placement, unchanged base first): chr14-50118856-CA-C. GRCh37 (hg19) VCF-style: chr14-50585574-CA-C.
Other names: c.3490-4delT (NM_006939.3, NM_006939.2).
Identifiers: ClinVar variation 706888 (VCV000706888.23), dbSNP rs10658395, ClinGen allele CA7176772.